The following is an entry in ClinVar:

NM_130466.4(UBE3B):c.2061del (p.Ser688fs)

Gene: UBE3B (ubiquitin protein ligase E3B; plus strand). Cytogenetic location: 12q24.11.
Variant type: Deletion.
Coding change: c.2061del on transcript NM_130466.4 (MANE Select); coding-DNA position 2061, one base deleted (G; older notation c.2061delG).
Protein change: p.Ser688fs; shifts the reading frame from serine 688.
Molecular consequence: frameshift variant.
Genome position (GRCh38, 1-based): chr12:109,516,869, G deleted; the last of 2 consecutive G bases (chr12:109,516,868-109,516,869); deleting either gives the same sequence. VCF-style (leftmost placement, unchanged base first): chr12-109516867-CG-C. GRCh37 (hg19) VCF-style: chr12-109954672-CG-C.
Other names: c.2061delG (NM_183415.3); c.2061del, p.Ser688fs (NM_183415.3); short protein forms S688fs.
Identifiers: ClinVar variation 1683785 (VCV001683785.2), dbSNP rs2136030901, ClinGen allele CA2573147967.
Genomic context (GRCh38, chr12:109,516,867, plus strand): 5'-AAACTGGGGCTGGTGGAAACCAGCTCTGCCTCCCCGCATGTCACTCACATCACCATCCGC[CG>C]GTCCAGGATGCTGGAGGTGAGTGTGAAGCCTATGGAATCCTACCACAAGGAAGTGGGCCC-3'

ClinVar aggregate classification (germline): Pathogenic (1 of 4 stars; one submission).

Conditions:
Oculocerebrofacial syndrome, Kaufman type. Also called: Blepharophimosis-ptosis-intellectual disability syndrome. Identifiers: Orphanet 2707, MedGen C1855663, MONDO:0009485, OMIM 244450.

Submission:

Laboratory of Human Genetics, Universidade de São Paulo
Classification: Pathogenic for Oculocerebrofacial syndrome, Kaufman type. Last evaluated: 2022-05-13. Review status: criteria provided, single submitter. Criteria: ACMG Guidelines, 2015. Collection method: research. Allele origin: biparental. Affected: yes. Observed: 1 homozygote.
Comment: This variant meets our criteria to be classified as pathogenic based upon segregation studies, absence from controls, and in-silico evaluation of pathogenicity.